The following is an entry in ClinVar:

NM_004006.3(DMD):c.6943G>T (p.Glu2315Ter)

Gene: DMD (dystrophin; minus strand). Cytogenetic location: Xp21.1.
Variant type: single nucleotide variant.
Coding change: c.6943G>T on transcript NM_004006.3 (MANE Select); coding-DNA position 6943, G replaced by T.
Protein change: p.Glu2315Ter; replaces glutamic acid 2315 with a stop codon.
Molecular consequence: nonsense. On other transcripts: 5 prime UTR variant (5).
Genome position (GRCh38, 1-based): chrX:31,875,343, C>A on the plus strand (G>T on the coding strand, the complement: DMD is on the minus strand). VCF-style: chrX-31875343-C-A. GRCh37 (hg19) VCF-style: chrX-31893460-C-A.
Other names: c.6919G>T, p.Glu2307Ter (NM_000109.4); c.6931G>T, p.Glu2311Ter (NM_004009.3); c.6574G>T, p.Glu2192Ter (NM_004010.3); c.2920G>T, p.Glu974Ter (NM_004011.4); c.2911G>T, p.Glu971Ter (NM_004012.4); c.-438G>T (NM_004013.3, NM_004020.4, NM_004021.3 and 2 more transcripts); short protein forms E2315*, E2311*, E971*, E2192*, E974*, E2307*.
Identifiers: ClinVar variation 3724151 (VCV003724151.2), dbSNP rs398124038.

ClinVar aggregate classification (germline): Pathogenic (1 of 4 stars; one submission).

Conditions:
Duchenne muscular dystrophy (DMD). Also called: Duchenne Muscular Dystrophy (DMD); MUSCULAR DYSTROPHY, PSEUDOHYPERTROPHIC PROGRESSIVE, DUCHENNE TYPE. Identifiers: Orphanet 98896, MedGen C0013264, MONDO:0010679, OMIM 310200.

Submission:

Labcorp Genetics (formerly Invitae), Labcorp
Classification: Pathogenic for Duchenne muscular dystrophy. Last evaluated: 2024-09-24. Review status: criteria provided, single submitter. Criteria: Invitae Variant Classification Sherloc (09022015). Collection method: clinical testing. Allele origin: germline.
Comment: This sequence change creates a premature translational stop signal (p.Glu2315*) in the DMD gene. It is expected to result in an absent or disrupted protein product. Loss-of-function variants in DMD are known to be pathogenic (PMID: 16770791, 25007885). This variant is not present in population databases (gnomAD no frequency). This premature translational stop signal has been observed in individual(s) with Duchenne muscular dystrophy (PMID: 17259292). For these reasons, this variant has been classified as Pathogenic.

Literature cited by the submitters: PubMed 16770791; PubMed 25007885; PubMed 17259292.